The following is an entry in ClinVar:

ClinVar aggregate classification (germline): Likely benign. Review status: criteria provided, multiple submitters, no conflicts (2 of 4 stars). 3 submissions from 3 submitters: Likely benign (3). Last evaluated 2025-01-16.

Allele frequency attached by ClinVar (database versions not stated): ExAC 0.00002; gnomAD 0.00002.
gnomAD v4.1: 34 of 1,612,946 alleles (0.0021%); highest among the groups gnomAD compares: Middle Eastern, 0.019%; no homozygotes.

Submissions (3):

Mayo Clinic Laboratories, Mayo Clinic
Classification: Likely benign. Last evaluated: 2025-01-16. Review status: criteria provided, single submitter. Criteria: ACMG Guidelines, 2015. Collection method: clinical testing. Allele origin: germline. Observed: 1 variant allele.
Comment: BP4, BP7, PM2_supporting

Blueprint Genetics
Classification: Likely benign. Last evaluated: 2024-10-30. Review status: criteria provided, single submitter. Criteria: ACMG Guidelines, 2015. Collection method: clinical testing. Allele origin: germline.

Labcorp Genetics (formerly Invitae), Labcorp
Classification: Likely benign. Last evaluated: 2021-06-19. Review status: criteria provided, single submitter. Criteria: Invitae Variant Classification Sherloc (09022015). Collection method: clinical testing. Allele origin: germline.

NM_000324.3(RHAG):c.807+9C>T

Gene: RHAG (Rh associated glycoprotein; minus strand). Cytogenetic location: 6p12.3.
Variant type: single nucleotide variant.
Coding change: c.807+9C>T on transcript NM_000324.3 (MANE Select); 9 bases into the intron after coding-DNA position 807, C replaced by T.
Molecular consequence: intron variant.
Genome position (GRCh38, 1-based): chr6:49,614,678, G>A on the plus strand (C>T on the coding strand, the complement: RHAG is on the minus strand). VCF-style: chr6-49614678-G-A. GRCh37 (hg19) VCF-style: chr6-49582391-G-A.
Other names: p.?.
Identifiers: ClinVar variation 1592427 (VCV001592427.10), dbSNP rs760011620, ClinGen allele CA3847826.
Genomic context (GRCh38, chr6:49,614,678, plus strand): 5'-CTACTACTTATCTGAGCAACTGTCAGTGTTGTGAAGCAAAATTTCCATGAGGGCTAAGGC[G>A]GCACTTACCATGTTGAGCTTGCCTCGGTGCTCCACTAGGCTGGAGAAGGCAAAGGCTGTG-3'